The following is an entry in ClinVar:

ClinVar aggregate classification (germline): Pathogenic (1 of 4 stars; one submission).

Conditions:
Skraban-Deardorff syndrome. Also called: INTELLECTUAL DISABILITY WITH SEIZURES, ABNORMAL GAIT, AND DISTINCTIVE FACIAL FEATURES; WDR26-Related Intellectual Disability. Identifiers: Orphanet 513456, MedGen C4539927, MONDO:0054636, OMIM 617616.

Submission:

Broad Center for Mendelian Genomics, Broad Institute of MIT and Harvard
Classification: Pathogenic for Skraban-Deardorff syndrome. Last evaluated: 2023-08-24. Review status: criteria provided, single submitter. Criteria: ACMG/ClinGen CNV Guidelines, 2019. Collection method: research. Allele origin: de novo. Inheritance: Autosomal dominant inheritance. Affected: yes.
Comment: These breakpoints have been estimated by exome sequencing only and therefore may not reflect the true breakpoints. The patient phenotype is nonspecific, but is consistent with cases described in the literature and/or published databases with overlapping variants. There is complete overlap with the WDR26 gene which is known to be haploinsufficient and has been assessed by the ClinGen Dosage Sensitivity Working Group. In summary, this variant meets criteria to be classified as pathogenic for autosomal dominant Skraban-Deardorff syndrome. The ACMG/ClinGen evidence codes and points used in this curation are as follows: 1: 0 points, 2: 1.00 points, 3: 0 points, 4-5: 0.15 points; Total: 1.15 points; Riggs 2020 (PMID: 31690835)

GRCh38/hg38 1q42.11-42.12(chr1:224304638-224434886)x1

Genes: NVL (nuclear VCP like; minus strand), CNIH3 (cornichon family AMPA receptor auxiliary protein 3; plus strand), WDR26 (WD repeat domain 26; minus strand), MIR4742 (microRNA 4742; minus strand), CNIH4 (cornichon family member 4; plus strand) and 9 more. Cytogenetic location: 1q42.11-42.12.
Variant type: copy number loss.
Change: copy number 1 (one copy instead of two) of chr1:224,304,638-224,434,886 (130.2 kb, GRCh38 coordinates, 1-based), cytogenetic band 1q42.11-42.12.
Identifiers: ClinVar variation 2579189 (VCV002579189.1).